The following is an entry in ClinVar:

ClinVar aggregate classification (germline): Uncertain significance (1 of 4 stars; one submission).

Conditions:
SEMA3E-related disorder. Also called: SEMA3E-related condition.

Submission:

PreventionGenetics, part of Exact Sciences
Classification: Uncertain significance for SEMA3E-related condition. Last evaluated: 2025-02-16. Review status: criteria provided, single submitter. Criteria: ACMG Guidelines, 2015. Collection method: clinical testing. Allele origin: germline.
Comment: The SEMA3E c.548T>C variant is predicted to result in the amino acid substitution p.Ile183Thr. To our knowledge, this variant has not been reported in the literature or in a large population database (gnomAD), indicating this variant is rare. At this time, the clinical significance of this variant is uncertain due to the absence of conclusive functional and genetic evidence.

NM_012431.3(SEMA3E):c.548T>C (p.Ile183Thr)

Gene: SEMA3E (semaphorin 3E; minus strand). Cytogenetic location: 7q21.11.
Variant type: single nucleotide variant.
Coding change: c.548T>C on transcript NM_012431.3 (MANE Select); coding-DNA position 548, T replaced by C.
Protein change: p.Ile183Thr; replaces isoleucine 183 with threonine.
Molecular consequence: missense variant.
Genome position (GRCh38, 1-based): chr7:83,418,392, A>G on the plus strand (T>C on the coding strand, the complement: SEMA3E is on the minus strand). VCF-style: chr7-83418392-A-G. GRCh37 (hg19) VCF-style: chr7-83047708-A-G.
Other names: c.368T>C, p.Ile123Thr (NM_001178129.2); short protein forms I123T, I183T.
Identifiers: ClinVar variation 4985366 (VCV004985366.1).